The following is an entry in ClinVar:

NM_001329.4(CTBP2):c.58+12475A>C

Gene: CTBP2 (C-terminal binding protein 2; minus strand). Cytogenetic location: 10q26.13.
Variant type: single nucleotide variant.
Coding change: c.58+12475A>C on transcript NM_001329.4 (MANE Select); 12475 bases into the intron after coding-DNA position 58, A replaced by C.
Molecular consequence: intron variant. On other transcripts: missense variant (1).
Genome position (GRCh38, 1-based): chr10:125,026,522, T>G on the plus strand (A>C on the coding strand, the complement: CTBP2 is on the minus strand). VCF-style: chr10-125026522-T-G. GRCh37 (hg19) VCF-style: chr10-126715091-T-G.
Other names: c.1238A>C, p.His413Pro (NM_022802.3); c.58+12475A>C (NM_001083914.3, NM_001290214.3, NM_001321012.2 and 3 more transcripts); short protein forms H413P.
Identifiers: ClinVar variation 722659 (VCV000722659.6), dbSNP rs142307451, ClinGen allele CA5736270.

ClinVar aggregate classification (germline): Benign. Review status: criteria provided, multiple submitters, no conflicts (2 of 4 stars). 3 submissions from 3 submitters: Benign (2). 1 of the submissions does not count toward it. Last evaluated 2018-05-21.

Conditions:
CTBP2-related disorder. Also called: CTBP2-related condition.

Allele frequency attached by ClinVar (database versions not stated): gnomAD exomes 0.00022 and 0.00062; ExAC 0.00104; 1000 Genomes Project 0.00200; 1000 Genomes Project 30x 0.00219; gnomAD 0.00223 and 0.00238; ESP Exome Variant Server 0.00247; TOPMed 0.00299.
gnomAD v4.1: 673 of 1,595,250 alleles (0.042%); highest among the groups gnomAD compares: African/African-American, 0.76%; 4 homozygotes.

Submissions (3):

Labcorp Genetics (formerly Invitae), Labcorp
Classification: Benign. Last evaluated: 2018-05-21. Review status: criteria provided, single submitter. Criteria: Invitae Variant Classification Sherloc (09022015). Collection method: clinical testing. Allele origin: germline.

Breakthrough Genomics
Classification: Benign. Review status: criteria provided, single submitter. Criteria: ACMG Guidelines, 2015. Collection method: not provided. Allele origin: germline. Inheritance: Unknown mechanism. Affected: yes.

PreventionGenetics, part of Exact Sciences
Classification: Benign for CTBP2-related condition. Last evaluated: 2019-11-26. Review status: no assertion criteria provided. Collection method: clinical testing. Allele origin: germline. Not counted in ClinVar's aggregate classification.
Comment: This variant is classified as benign based on ACMG/AMP sequence variant interpretation guidelines (Richards et al. 2015 PMID: 25741868, with internal and published modifications).